The following is an entry in ClinVar:

ClinVar aggregate classification (germline): Uncertain significance. Review status: criteria provided, multiple submitters, no conflicts (2 of 4 stars). 2 submissions from 2 submitters: Uncertain significance (2). Last evaluated 2026-06-09.

Conditions:
Congenital myasthenic syndrome 11. Also called: MYASTHENIC SYNDROME, CONGENITAL, Ie; Myasthenic syndrome, congenital, 11, associated with acetylcholine receptor deficiency. Identifiers: Orphanet 590, MedGen C4225367, MONDO:0014588, OMIM 616326.
Fetal akinesia deformation sequence 1 (FADS1). Also called: Pena-Shokeir syndrome type I; Fetal akinesia sequence. Identifiers: Orphanet 994, MedGen C1276035, MONDO:0100101, OMIM 208150, HP:0001989.

Allele frequency attached by ClinVar (database versions not stated): ExAC 0.00002; TOPMed below 0.00001; gnomAD exomes below 0.00001; gnomAD 0.00001.

Submissions (2):

Women's Health and Genetics/Laboratory Corporation of America, LabCorp
Classification: Uncertain significance. Last evaluated: 2026-06-09. Review status: criteria provided, single submitter. Criteria: LabCorp Variant Classification Summary - May 2015. Collection method: clinical testing. Allele origin: germline.
Comment: Variant summary: RAPSN c.844C>T (p.Arg282Cys) results in a non-conservative amino acid change in the encoded protein sequence. Algorithms developed to predict the effect of missense changes on protein structure and function all suggest that this variant is likely to be disruptive. The variant allele was found at a frequency of 4.1e-06 in 246126 control chromosomes. The available data on variant occurrences in the general population are insufficient to allow any conclusion about variant significance. c.844C>T has been observed in at least one compound heterozygous individual(s) affected with RAPSN-related conditions (e.g. Pattrakornkul_2020). These data do not allow any conclusion about variant significance. To our knowledge, no experimental evidence demonstrating an impact on protein function has been reported. The following publications have been ascertained in the context of this evaluation (PMID: 40494860, 32978031). ClinVar contains an entry for this variant (Variation ID: 1934565). Based on the evidence outlined above, the variant was classified as uncertain significance.

Labcorp Genetics (formerly Invitae), Labcorp
Classification: Uncertain significance for Congenital myasthenic syndrome 11; Fetal akinesia deformation sequence 1. Last evaluated: 2024-02-28. Review status: criteria provided, single submitter. Criteria: Invitae Variant Classification Sherloc (09022015). Collection method: clinical testing. Allele origin: germline.
Comment: This sequence change replaces arginine, which is basic and polar, with cysteine, which is neutral and slightly polar, at codon 282 of the RAPSN protein (p.Arg282Cys). The frequency data for this variant in the population databases is considered unreliable, as metrics indicate poor data quality at this position in the gnomAD database. This variant has not been reported in the literature in individuals affected with RAPSN-related conditions. ClinVar contains an entry for this variant (Variation ID: 1934565). Advanced modeling of protein sequence and biophysical properties (such as structural, functional, and spatial information, amino acid conservation, physicochemical variation, residue mobility, and thermodynamic stability) performed at Invitae indicates that this missense variant is expected to disrupt RAPSN protein function with a positive predictive value of 80%. In summary, the available evidence is currently insufficient to determine the role of this variant in disease. Therefore, it has been classified as a Variant of Uncertain Significance.

Literature cited by the submitters: PubMed 32978031 (cited by Women's Health and Genetics/Laboratory Corporation of America, LabCorp); PubMed 40494860 (cited by Women's Health and Genetics/Laboratory Corporation of America, LabCorp).

NM_005055.5(RAPSN):c.844C>T (p.Arg282Cys)

Gene: RAPSN (receptor associated protein of the synapse; minus strand). Cytogenetic location: 11p11.2.
Variant type: single nucleotide variant.
Coding change: c.844C>T on transcript NM_005055.5 (MANE Select); coding-DNA position 844, C replaced by T.
Protein change: p.Arg282Cys; replaces arginine 282 with cysteine.
Molecular consequence: missense variant. On other transcripts: intron variant (1).
Genome position (GRCh38, 1-based): chr11:47,441,679, G>A on the plus strand (C>T on the coding strand, the complement: RAPSN is on the minus strand). VCF-style: chr11-47441679-G-A. GRCh37 (hg19) VCF-style: chr11-47463231-G-A.
Other names: c.789+144C>T (NM_032645.5); short protein forms R282C.
Identifiers: ClinVar variation 1934565 (VCV001934565.5), dbSNP rs751845474, ClinGen allele CA5976605.